The following is an entry in ClinVar:

NM_000843.4(GRM6):c.839C>T (p.Ala280Val)

Gene: GRM6 (glutamate metabotropic receptor 6; minus strand). Cytogenetic location: 5q35.3.
Variant type: single nucleotide variant.
Coding change: c.839C>T on transcript NM_000843.4 (MANE Select); coding-DNA position 839, C replaced by T.
Protein change: p.Ala280Val; replaces alanine 280 with valine.
Molecular consequence: missense variant.
Genome position (GRCh38, 1-based): chr5:178,991,442, G>A on the plus strand (C>T on the coding strand, the complement: GRM6 is on the minus strand). VCF-style: chr5-178991442-G-A. GRCh37 (hg19) VCF-style: chr5-178418443-G-A.
Other names: short protein forms A280V.
Identifiers: ClinVar variation 972211 (VCV000972211.10), dbSNP rs558788972, ClinGen allele CA3594334.
Genomic context (GRCh38, chr5:178,991,442, plus strand): 5'-AGGGAGAGCCCCAGGGGCCCGGTGATTGTGCCACTGTCCCACCTGATGTCATCCTCATTG[G>A]CAAAGATGATGATGCCCCGGGCGTTGGGCGTCTCCATGAGTCTCCTGATCACCTTGCTGA-3'
Protein context (NP_000834.2, residues 270-290): TPNARGIIIF[Ala280Val]NEDDIRRVLE

ClinVar aggregate classification (germline): Uncertain significance (1 of 4 stars; one submission).

Allele frequency attached by ClinVar (database versions not stated): gnomAD below 0.00001 and 0.00002; TOPMed below 0.00001; gnomAD exomes 0.00003 and 0.00006; ExAC 0.00007; 1000 Genomes Project 30x 0.00016; 1000 Genomes Project 0.00020.
gnomAD v4.1: 42 of 1,613,918 alleles (0.0026%); highest among the groups gnomAD compares: South Asian, 0.044%; 1 homozygote.

Submission:

Labcorp Genetics (formerly Invitae), Labcorp
Classification: Uncertain significance. Last evaluated: 2024-02-24. Review status: criteria provided, single submitter. Criteria: Invitae Variant Classification Sherloc (09022015). Collection method: clinical testing. Allele origin: germline.
Comment: This sequence change replaces alanine, which is neutral and non-polar, with valine, which is neutral and non-polar, at codon 280 of the GRM6 protein (p.Ala280Val). This variant is present in population databases (rs558788972, gnomAD 0.05%). This variant has not been reported in the literature in individuals affected with GRM6-related conditions. ClinVar contains an entry for this variant (Variation ID: 972211). Advanced modeling of protein sequence and biophysical properties (such as structural, functional, and spatial information, amino acid conservation, physicochemical variation, residue mobility, and thermodynamic stability) performed at Invitae indicates that this missense variant is not expected to disrupt GRM6 protein function with a negative predictive value of 80%. In summary, the available evidence is currently insufficient to determine the role of this variant in disease. Therefore, it has been classified as a Variant of Uncertain Significance.